The following is an entry in ClinVar:

ClinVar aggregate classification (germline): Pathogenic. Review status: criteria provided, multiple submitters, no conflicts (2 of 4 stars). 3 submissions from 3 submitters: Pathogenic (3). Last evaluated 2025-10-30.

Conditions:
Recessive dystrophic epidermolysis bullosa (RDEB). Also called: severe generalized recessive dystrophic epidermolysis bullosa; Recessive DEB (RDEB); DYSTROPHIC EPIDERMOLYSIS BULLOSA, AUTOSOMAL RECESSIVE; EPIDERMOLYSIS BULLOSA DYSTROPHICA, HALLOPEAU-SIEMENS TYPE; Hallopeau-Siemens Disease; EPIDERMOLYSIS BULLOSA DYSTROPHICA, GENERALIZED SEVERE, AUTOSOMAL RECESSIVE. Identifiers: Orphanet 79408, Orphanet 79409, MedGen C0079474, MONDO:0009179, OMIM 226600.

Submissions (3):

Myriad Genetics, Inc.
Classification: Pathogenic for Recessive dystrophic epidermolysis bullosa. Last evaluated: 2025-10-30. Review status: criteria provided, single submitter. Criteria: Myriad Autosomal Dominant, Autosomal Recessive and X-Linked Classification Criteria (2023). Collection method: clinical testing. Allele origin: unknown.
Comment: NM_000094.3(COL7A1):c.2388G>A(W796*) is expected to be pathogenic in the context of dystrophic epidermolysis bullosa. This variant is predicted to lead to an abnormal or absent protein product due to the creation of a premature termination codon in COL7A1, a gene where loss-of-function variants are known to be pathogenic. Please note: this variant was assessed in the context of healthy population screening.

GeneDx
Classification: Pathogenic. Last evaluated: 2023-11-29. Review status: criteria provided, single submitter. Criteria: GeneDx Variant Classification Process June 2021. Collection method: clinical testing. Allele origin: germline. Affected: yes.
Comment: Nonsense variant predicted to result in protein truncation or nonsense mediated decay in a gene for which loss of function is a known mechanism of disease; Not observed at significant frequency in large population cohorts (gnomAD); This variant is associated with the following publications: (PMID: 25525159, 8088783, Paldyna2019[article])

Labcorp Genetics (formerly Invitae), Labcorp
Classification: Pathogenic. Last evaluated: 2023-03-07. Review status: criteria provided, single submitter. Criteria: Invitae Variant Classification Sherloc (09022015). Collection method: clinical testing. Allele origin: germline.
Comment: This premature translational stop signal has been observed in individual(s) with dystrophic epidermolysis bullosa (DEB) (PMID: 8088783). For these reasons, this variant has been classified as Pathogenic. Algorithms developed to predict the effect of sequence changes on RNA splicing suggest that this variant may disrupt the consensus splice site. This variant is not present in population databases (gnomAD no frequency). This sequence change creates a premature translational stop signal (p.Trp796*) in the COL7A1 gene. It is expected to result in an absent or disrupted protein product. Loss-of-function variants in COL7A1 are known to be pathogenic (PMID: 16971478).

Literature cited by the submitters: PubMed 8088783 (cited by Labcorp Genetics (formerly Invitae), Labcorp); PubMed 16971478 (cited by Labcorp Genetics (formerly Invitae), Labcorp).

NM_000094.4(COL7A1):c.2388G>A (p.Trp796Ter)

Gene: COL7A1 (collagen type VII alpha 1 chain; minus strand). Cytogenetic location: 3p21.31.
Variant type: single nucleotide variant.
Coding change: c.2388G>A on transcript NM_000094.4 (MANE Select); coding-DNA position 2388, G replaced by A.
Protein change: p.Trp796Ter; replaces tryptophan 796 with a stop codon.
Molecular consequence: nonsense.
Genome position (GRCh38, 1-based): chr3:48,588,922, C>T on the plus strand (G>A on the coding strand, the complement: COL7A1 is on the minus strand). VCF-style: chr3-48588922-C-T. GRCh37 (hg19) VCF-style: chr3-48626355-C-T.
Other names: short protein forms W796*.
Identifiers: ClinVar variation 2734524 (VCV002734524.5), dbSNP rs2045490885, ClinGen allele CA352720770.